The following is an entry in ClinVar:

ClinVar aggregate classification (germline): Benign (1 of 4 stars; one submission).

Conditions:
Leigh syndrome (NULS). Also called: Leigh's necrotizing encephalopathy; Leigh's disease; Leigh Syndrome (mtDNA deletion); Leigh Disease; Subacute necrotizing encephalopathy; Necrotizing encephalopathy infantile subacute of Leigh. Identifiers: Orphanet 506, MedGen C2931891, MONDO:0009723, OMIM 256000.

Submission:

Wong Mito Lab, Molecular and Human Genetics, Baylor College of Medicine
Classification: Benign for Leigh syndrome. Last evaluated: 2019-10-17. Review status: criteria provided, single submitter. Criteria: Modified ACMG Guidelines (Unpublished). Collection method: clinical testing. Allele origin: germline.
Comment: The NC_012920.1:m.7691T>C (YP_003024029.1:p.Phe36Leu) variant in MTCO2 gene is interpretated to be a Benign variant based on the modified ACMG guidelines (unpublished). This variant meets the following evidence codes: BS1, BS4, BP4

NC_012920.1(MT-CO2):m.7691T>C

Gene: MT-CO2 (mitochondrially encoded cytochrome c oxidase II; plus strand).
Variant type: single nucleotide variant.
Genome position: chrM-7691-T-C.
Identifiers: ClinVar variation 692761 (VCV000692761.1), dbSNP rs1603221084, ClinGen allele CA414793330.